The following is an entry in ClinVar:

ClinVar aggregate classification (germline): Uncertain significance. Review status: criteria provided, multiple submitters, no conflicts (2 of 4 stars). 3 submissions from 3 submitters: Uncertain significance (3). Last evaluated 2023-12-16.

Conditions:
Familial thoracic aortic aneurysm and aortic dissection (TAAD). Also called: Thoracic aortic aneurysms and dissections. Identifiers: Orphanet 91387, MedGen C4707243, MONDO:0019625.
Aortic aneurysm, familial thoracic 7 (AAT7). Also called: AORTIC DISSECTION, FAMILIAL, WITH OR WITHOUT AORTIC ANEURYSM. Identifiers: MedGen C3151077, MONDO:0013418, OMIM 613780.

Allele frequency attached by ClinVar (database versions not stated): gnomAD exomes below 0.00001.
gnomAD v4.1: 2 of 1,604,408 alleles (0.00012%); highest among the groups gnomAD compares: Non-Finnish European, 0.00017%; no homozygotes.

Submissions (3):

Labcorp Genetics (formerly Invitae), Labcorp
Classification: Uncertain significance for Aortic aneurysm, familial thoracic 7. Last evaluated: 2023-12-16. Review status: criteria provided, single submitter. Criteria: Invitae Variant Classification Sherloc (09022015). Collection method: clinical testing. Allele origin: germline.
Comment: This sequence change replaces glutamic acid, which is acidic and polar, with lysine, which is basic and polar, at codon 1200 of the MYLK protein (p.Glu1200Lys). This variant is not present in population databases (gnomAD no frequency). This variant has not been reported in the literature in individuals affected with MYLK-related conditions. ClinVar contains an entry for this variant (Variation ID: 1318789). Advanced modeling of protein sequence and biophysical properties (such as structural, functional, and spatial information, amino acid conservation, physicochemical variation, residue mobility, and thermodynamic stability) performed at Invitae indicates that this missense variant is not expected to disrupt MYLK protein function with a negative predictive value of 80%. In summary, the available evidence is currently insufficient to determine the role of this variant in disease. Therefore, it has been classified as a Variant of Uncertain Significance.

Ambry Genetics
Classification: Uncertain significance for Familial thoracic aortic aneurysm and aortic dissection. Last evaluated: 2020-10-13. Review status: criteria provided, single submitter. Criteria: Ambry Variant Classification Scheme 2023. Collection method: clinical testing. Allele origin: germline.
Comment: The p.E1200K variant (also known as c.3598G>A), located in coding exon 17 of the MYLK gene, results from a G to A substitution at nucleotide position 3598. The glutamic acid at codon 1200 is replaced by lysine, an amino acid with similar properties. This amino acid position is highly conserved in available vertebrate species. In addition, this alteration is predicted to be tolerated by in silico analysis. Since supporting evidence is limited at this time, the clinical significance of this alteration remains unclear.

GeneDx
Classification: Uncertain significance. Last evaluated: 2020-01-23. Review status: criteria provided, single submitter. Criteria: GeneDx Variant Classification Process June 2021. Collection method: clinical testing. Allele origin: germline. Affected: yes.
Comment: Has not been previously published as pathogenic or benign to our knowledge; Not observed at a significant frequency in large population cohorts (Lek et al., 2016); In silico analysis, which includes protein predictors and evolutionary conservation, supports that this variant does not alter protein structure/function

NM_053025.4(MYLK):c.3598G>A (p.Glu1200Lys)

Gene: MYLK (myosin light chain kinase; minus strand). Cytogenetic location: 3q21.1.
Variant type: single nucleotide variant.
Coding change: c.3598G>A on transcript NM_053025.4 (MANE Select); coding-DNA position 3598, G replaced by A.
Protein change: p.Glu1200Lys; replaces glutamic acid 1200 with lysine.
Molecular consequence: missense variant.
Genome position (GRCh38, 1-based): chr3:123,682,278, C>T on the plus strand (G>A on the coding strand, the complement: MYLK is on the minus strand). VCF-style: chr3-123682278-C-T. GRCh37 (hg19) VCF-style: chr3-123401125-C-T.
Other names: c.3070G>A, p.Glu1024Lys (NM_001321309.2); c.3391G>A, p.Glu1131Lys (NM_053026.4, NM_053028.4); c.3598G>A, p.Glu1200Lys (NM_053027.4); short protein forms E1024K, E1131K, E1200K.
Identifiers: ClinVar variation 1318789 (VCV001318789.7), dbSNP rs2108456120, ClinGen allele CA354233619.
Genomic context (GRCh38, chr3:123,682,278, plus strand): 5'-ACTCACTCTCAGTTCCTAGCACGGGAGGAAGAGAGCTCTTGGGCCTCCGGGATTTCATCT[C>T]TGGGGCCTTGGTGTTCTCACTGGCTGGAGCATCTGGAATGAAACAGGTAACAATAAATGT-3'
Protein context (NP_444253.3, residues 1190-1210): APASENTKAP[Glu1200Lys]MKSRRPKSSL